The following is an entry in ClinVar:

ClinVar aggregate classification (germline): Pathogenic/Likely pathogenic. Review status: criteria provided, multiple submitters, no conflicts (2 of 4 stars). 2 submissions from 2 submitters: Pathogenic (1); Likely pathogenic (1). Last evaluated 2022-09-13.

Conditions:
LAMP2-related disorders.
Danon disease. Also called: PSEUDOGLYCOGENOSIS II; GSD IIb; LYSOSOMAL GLYCOGEN STORAGE DISEASE WITHOUT ACID MALTASE DEFICIENCY; ANTOPOL DISEASE; Glycogen Storage Disease Type IIb. Identifiers: Orphanet 34587, MedGen C0878677, MONDO:0010281, OMIM 300257.

Submissions (2):

Blueprint Genetics
Classification: Likely pathogenic for LAMP2-related disorders. Last evaluated: 2022-09-13. Review status: criteria provided, single submitter. Criteria: ACMG Guidelines, 2015. Collection method: clinical testing. Allele origin: germline. Affected: yes. Observed: 1 variant allele.

Labcorp Genetics (formerly Invitae), Labcorp
Classification: Pathogenic for Danon disease. Last evaluated: 2020-02-12. Review status: criteria provided, single submitter. Criteria: Invitae Variant Classification Sherloc (09022015). Collection method: clinical testing. Allele origin: germline.
Comment: For these reasons, this variant has been classified as Pathogenic. While this particular variant has not been reported in the literature, truncating variants in LAMP2 are known to be pathogenic (PMID: 21415759). This sequence change creates a premature translational stop signal at codon 338 (p.Ser338*) of the LAMP2 gene. It is expected to result in an absent or disrupted protein product.

Literature cited by the submitters: PubMed 21415759 (cited by Labcorp Genetics (formerly Invitae), Labcorp).

NM_002294.3(LAMP2):c.1013C>G (p.Ser338Ter)

Gene: LAMP2 (lysosome associated membrane protein 2; minus strand). Cytogenetic location: Xq24.
Variant type: single nucleotide variant.
Coding change: c.1013C>G on transcript NM_002294.3 (MANE Select); coding-DNA position 1013, C replaced by G.
Protein change: p.Ser338Ter; replaces serine 338 with a stop codon.
Molecular consequence: nonsense.
Genome position (GRCh38, 1-based): chrX:120,441,810, G>C on the plus strand (C>G on the coding strand, the complement: LAMP2 is on the minus strand). VCF-style: chrX-120441810-G-C. GRCh37 (hg19) VCF-style: chrX-119575665-G-C.
Other names: c.1013C>G, p.Ser338Ter (NM_001122606.1, NM_013995.2); short protein forms S338*.
Identifiers: ClinVar variation 409225 (VCV000409225.12), dbSNP rs1060502305, ClinGen allele CA16616430.
Genomic context (GRCh38, chrX:120,441,810, plus strand): 5'-GTCACATTGAAAGGCTGAACCCTTAGATCAAAGGTATTTATCTGAAATGCTCCAGACACT[G>C]AAACAGTCTGCTCTTTGTTGCACATATAAGAACTTCCCAGGGGGGCATCCCAGTAGCTGA-3'